The following is an entry in ClinVar:

NM_000264.5(PTCH1):c.319C>T (p.Leu107Phe)

Gene: PTCH1 (patched 1; minus strand). Cytogenetic location: 9q22.32.
Variant type: single nucleotide variant.
Coding change: c.319C>T on transcript NM_000264.5 (MANE Select); coding-DNA position 319, C replaced by T.
Protein change: p.Leu107Phe; replaces leucine 107 with phenylalanine.
Molecular consequence: missense variant. On other transcripts: 5 prime UTR variant (4), non-coding transcript variant (1).
Genome position (GRCh38, 1-based): chr9:95,506,482, G>A on the plus strand (C>T on the coding strand, the complement: PTCH1 is on the minus strand). VCF-style: chr9-95506482-G-A. GRCh37 (hg19) VCF-style: chr9-98268764-G-A.
Other names: c.121C>T, p.Leu41Phe (NM_001083602.3, NM_001354919.2); c.316C>T, p.Leu106Phe (NM_001083603.3); c.-135C>T (NM_001083604.3, NM_001083605.3, NM_001083606.3 and 1 more transcripts); c.319C>T, p.Leu107Phe (NM_001354918.2); short protein forms L106F, L41F, L107F.
Identifiers: ClinVar variation 1417064 (VCV001417064.10), dbSNP rs2118876683, ClinGen allele CA374120286.

ClinVar aggregate classification (germline): Uncertain significance. Review status: criteria provided, multiple submitters, no conflicts (2 of 4 stars). 2 submissions from 2 submitters: Uncertain significance (2). Last evaluated 2025-03-17.

Conditions:
Gorlin syndrome. Also called: Nevoid Basal Cell Carcinoma Syndrome; Basal cell nevus syndrome. Identifiers: Orphanet 377, MedGen C0004779, MONDO:0007187.
Hereditary cancer-predisposing syndrome. Also called: Hereditary neoplastic syndrome; Neoplastic Syndromes, Hereditary; Hereditary Cancer Syndrome; Tumor predisposition. Identifiers: Orphanet 140162, MedGen C0027672, MeSH D009386, MONDO:0015356.

Submissions (2):

Labcorp Genetics (formerly Invitae), Labcorp
Classification: Uncertain significance for Gorlin syndrome. Last evaluated: 2025-03-17. Review status: criteria provided, single submitter. Criteria: Invitae Variant Classification Sherloc (09022015). Collection method: clinical testing. Allele origin: germline.
Comment: This sequence change replaces leucine, which is neutral and non-polar, with phenylalanine, which is neutral and non-polar, at codon 107 of the PTCH1 protein (p.Leu107Phe). This variant is not present in population databases (gnomAD no frequency). This variant has not been reported in the literature in individuals affected with PTCH1-related conditions. ClinVar contains an entry for this variant (Variation ID: 1417064). Invitae Evidence Modeling of protein sequence and biophysical properties (such as structural, functional, and spatial information, amino acid conservation, physicochemical variation, residue mobility, and thermodynamic stability) has been performed for this missense variant. However, the output from this modeling did not meet the statistical confidence thresholds required to predict the impact of this variant on PTCH1 protein function. In summary, the available evidence is currently insufficient to determine the role of this variant in disease. Therefore, it has been classified as a Variant of Uncertain Significance.

Ambry Genetics
Classification: Uncertain significance for Hereditary cancer-predisposing syndrome. Last evaluated: 2021-11-15. Review status: criteria provided, single submitter. Criteria: Ambry Variant Classification Scheme 2023. Collection method: clinical testing. Allele origin: germline.
Comment: The p.L107F variant (also known as c.319C>T), located in coding exon 2 of the PTCH1 gene, results from a C to T substitution at nucleotide position 319. The leucine at codon 107 is replaced by phenylalanine, an amino acid with highly similar properties. This amino acid position is well conserved in available vertebrate species. In addition, the in silico prediction for this alteration is inconclusive. Since supporting evidence is limited at this time, the clinical significance of this alteration remains unclear.